The following is an entry in ClinVar:

NM_000069.3(CACNA1S):c.2767G>C (p.Val923Leu)

Gene: CACNA1S (calcium voltage-gated channel subunit alpha1 S; minus strand). Cytogenetic location: 1q32.1.
Variant type: single nucleotide variant.
Coding change: c.2767G>C on transcript NM_000069.3 (MANE Select); coding-DNA position 2767, G replaced by C.
Protein change: p.Val923Leu; replaces valine 923 with leucine.
Molecular consequence: missense variant.
Genome position (GRCh38, 1-based): chr1:201,065,924, C>G on the plus strand (G>C on the coding strand, the complement: CACNA1S is on the minus strand). VCF-style: chr1-201065924-C-G. GRCh37 (hg19) VCF-style: chr1-201035052-C-G.
Other names: short protein forms V923L.
Identifiers: ClinVar variation 473981 (VCV000473981.5), dbSNP rs571902899, ClinGen allele CA079282.

ClinVar aggregate classification (germline): Uncertain significance. Review status: criteria provided, multiple submitters, no conflicts (2 of 4 stars). 3 submissions from 3 submitters: Uncertain significance (3). Last evaluated 2025-08-26.

Conditions:
Malignant hyperthermia, susceptibility to, 5 (MHS5). Also called: CACNA1S-Related Malignant Hyperthermia Susceptibility. Identifiers: Orphanet 423, MedGen C1866077, MONDO:0011163, OMIM 601887.
Hypokalemic periodic paralysis, type 1. Also called: HypoPP; Hypokalemic Periodic Paralysis Type 1 (AD). Identifiers: Orphanet 681, MedGen C3714580, MONDO:0042979, OMIM 170400.

Allele frequency attached by ClinVar (database versions not stated): TOPMed 0.00001.
gnomAD v4.1: 7 of 1,613,306 alleles (0.00043%); highest among the groups gnomAD compares: Admixed American, 0.0083%; no homozygotes.

Submissions (3):

Color Diagnostics, LLC DBA Color Health
Classification: Uncertain significance for Malignant hyperthermia, susceptibility to, 5. Last evaluated: 2025-08-26. Review status: criteria provided, single submitter. Criteria: ACMG Guidelines, 2015. Collection method: clinical testing. Allele origin: germline.
Comment: This missense variant replaces valine with leucine at codon 923 of the CACNA1S protein. Computational prediction suggests that this variant may have deleterious impact on protein structure and function. To our knowledge, functional studies have not been reported for this variant. This variant has not been reported in individuals affected with CACNA1S-related disorders in the literature. This variant has been identified in 3/250190 chromosomes in the general population by the Genome Aggregation Database (gnomAD). The available evidence is insufficient to determine the role of this variant in disease conclusively. Therefore, this variant is classified as a Variant of Uncertain Significance.

Labcorp Genetics (formerly Invitae), Labcorp
Classification: Uncertain significance for Hypokalemic periodic paralysis, type 1; Malignant hyperthermia, susceptibility to, 5. Last evaluated: 2024-01-30. Review status: criteria provided, single submitter. Criteria: Invitae Variant Classification Sherloc (09022015). Collection method: clinical testing. Allele origin: germline.
Comment: This sequence change replaces valine, which is neutral and non-polar, with leucine, which is neutral and non-polar, at codon 923 of the CACNA1S protein (p.Val923Leu). This variant is present in population databases (rs571902899, gnomAD 0.009%). This variant has not been reported in the literature in individuals affected with CACNA1S-related conditions. ClinVar contains an entry for this variant (Variation ID: 473981). Advanced modeling of protein sequence and biophysical properties (such as structural, functional, and spatial information, amino acid conservation, physicochemical variation, residue mobility, and thermodynamic stability) performed at Invitae indicates that this missense variant is not expected to disrupt CACNA1S protein function with a negative predictive value of 80%. In summary, the available evidence is currently insufficient to determine the role of this variant in disease. Therefore, it has been classified as a Variant of Uncertain Significance.

All of Us Research Program, National Institutes of Health
Classification: Uncertain significance for Malignant hyperthermia, susceptibility to, 5. Last evaluated: 2023-05-04. Review status: criteria provided, single submitter. Criteria: ACMG Guidelines, 2015. Collection method: clinical testing. Allele origin: germline. Inheritance: Autosomal dominant inheritance. Observed: 1 variant allele, 1 heterozygote.
Comment: This missense variant replaces valine with leucine at codon 923 of the CACNA1S protein. Computational prediction suggests that this variant may have deleterious impact on protein structure and function (internally defined REVEL score threshold >= 0.7, PMID: 27666373). To our knowledge, functional studies have not been reported for this variant. This variant has not been reported in individuals affected with CACNA1S-related disorders in the literature. This variant has been identified in 3/250190 chromosomes in the general population by the Genome Aggregation Database (gnomAD). The available evidence is insufficient to determine the role of this variant in disease conclusively. Therefore, this variant is classified as a Variant of Uncertain Significance.

This study involves interpretation of variants in research participants for the purpose of population health screening. Participant phenotype was not available at the time of variant classification. Additional details can be found in publication PMID: 35346344, PMCID: PMC8962531